The following is an entry in ClinVar:

NM_018662.3(DISC1):c.1361G>T (p.Arg454Ile)

Genes: DISC1 (DISC1 scaffold protein; plus strand), TSNAX-DISC1 (TSNAX-DISC1 readthrough (NMD candidate); plus strand). Cytogenetic location: 1q42.2.
Variant type: single nucleotide variant.
Coding change: c.1361G>T on transcript NM_018662.3 (MANE Select); coding-DNA position 1361, G replaced by T.
Protein change: p.Arg454Ile; replaces arginine 454 with isoleucine.
Molecular consequence: missense variant. On other transcripts: non-coding transcript variant (6), intron variant (1).
Genome position (GRCh38, 1-based): chr1:231,767,232, G>T. VCF-style: chr1-231767232-G-T. GRCh37 (hg19) VCF-style: chr1-231902978-G-T.
Other names: c.1361G>T, p.Arg454Ile (NM_001012957.2, NM_001012959.2, NM_001164538.2 and 9 more transcripts); c.1457G>T, p.Arg486Ile (NM_001164537.2); c.311G>T, p.Arg104Ile (NM_001164556.2); c.1268+17156G>T (NM_001164540.2); short protein forms R104I, R454I, R486I.
Identifiers: ClinVar variation 2633720 (VCV002633720.1), dbSNP rs2546066166, ClinGen allele CA345236569.

ClinVar aggregate classification (germline): Uncertain significance (1 of 4 stars; one submission).

Conditions:
DISC1-related disorder. Also called: DISC1-related condition.

Submission:

PreventionGenetics, part of Exact Sciences
Classification: Uncertain significance for DISC1-related condition. Last evaluated: 2023-04-03. Review status: criteria provided, single submitter. Criteria: ACMG Guidelines, 2015. Collection method: clinical testing. Allele origin: germline.
Comment: The DISC1 c.1361G>T variant is predicted to result in the amino acid substitution p.Arg454Ile. To our knowledge, this variant has not been reported in the literature or in a large population database, indicating this variant is rare. At this time, the clinical significance of this variant is uncertain due to the absence of conclusive functional and genetic evidence.